The following is an entry in ClinVar:

NM_170707.4(LMNA):c.1969-1_1969delinsCT

Gene: LMNA (lamin A/C; plus strand). Cytogenetic location: 1q22.
Variant type: Indel.
Coding change: c.1969-1_1969delinsCT on transcript NM_170707.4 (MANE Select); the canonical splice acceptor site of the intron before coding-DNA position 1969 through coding-DNA position 1969, GA replaced by CT.
Molecular consequence: splice acceptor variant.
Genome position (GRCh38, 1-based): chr1:156,139,079-156,139,080, GA replaced by CT. VCF-style: chr1-156139079-GA-CT. GRCh37 (hg19) VCF-style: chr1-156108870-GA-CT.
Other names: c.1969-1_1969delinsCT (NM_001406983.1, NM_001406991.1, NM_001406985.1); c.1411-1_1411delinsCT (NM_001406993.1, NM_001406995.1, NM_001406990.1 and 2 more transcripts); c.1345-1_1345delinsCT (NM_001406999.1, NM_001407000.1, NM_001406994.1 and 1 more transcripts); c.1726-1_1726delinsCT (NM_001406986.1, NM_001406987.1); c.1819-1_1819delinsCT (NM_001282626.2); c.1879-1_1879delinsCT (NM_170708.4); c.1633-1_1633delinsCT (NM_001406989.1, NM_001257374.3); c.1672-1_1672delinsCT (NM_001406988.1).
Identifiers: ClinVar variation 4891516 (VCV004891516.1).

ClinVar aggregate classification (germline): Uncertain significance (1 of 4 stars; one submission).

Submission:

GeneDx
Classification: Uncertain significance. Last evaluated: 2026-03-09. Review status: criteria provided, single submitter. Criteria: GeneDx Variant Classification Process June 2021. Collection method: clinical testing. Allele origin: germline.
Comment: Not observed at significant frequency in large population cohorts (gnomAD); Canonical splice site variant with an unclear effect on protein function; Has not been previously published as pathogenic or benign to our knowledge